The following is an entry in ClinVar:

NM_017570.5(OPLAH):c.2705G>A (p.Arg902Gln)

Gene: OPLAH (5-oxoprolinase, ATP-hydrolysing; minus strand). Cytogenetic location: 8q24.3.
Variant type: single nucleotide variant.
Coding change: c.2705G>A on transcript NM_017570.5 (MANE Select); coding-DNA position 2705, G replaced by A.
Protein change: p.Arg902Gln; replaces arginine 902 with glutamine.
Molecular consequence: missense variant.
Genome position (GRCh38, 1-based): chr8:144,053,375, C>T on the plus strand (G>A on the coding strand, the complement: OPLAH is on the minus strand). VCF-style: chr8-144053375-C-T. GRCh37 (hg19) VCF-style: chr8-145108278-C-T.
Other names: c.2705G>A (NM_017570.3); short protein forms R902Q.
Identifiers: ClinVar variation 2148420 (VCV002148420.5), dbSNP rs782001795, ClinGen allele CA4931353.
Genomic context (GRCh38, chr8:144,053,375, plus strand): 5'-TCCGACAGGTTGTCGTGCAGGTTTCTGGTTCCGCTGCAGTTGGGGACCTTGCCTGGCGCC[C>T]GCAGGGCCTCCGTCACCGCTGGATGGACAGTGTCATCACTGAGCCCCTGGCCAACCCTGT-3'
Protein context (NP_060040.1, residues 892-912): FQEEAVTEAL[Arg902Gln]APGKVPNCSG

ClinVar aggregate classification (germline): Uncertain significance. Review status: criteria provided, multiple submitters, no conflicts (2 of 4 stars). 2 submissions from 2 submitters: Uncertain significance (2). Last evaluated 2025-06-12.

Conditions:
5-Oxoprolinase deficiency (OPLAHD). Also called: 5-OXOPROLINURIA DUE TO 5-OXOPROLINASE DEFICIENCY. Identifiers: Orphanet 33572, MedGen C0268525, MONDO:0009825, OMIM 260005, HP:0040142.

Allele frequency attached by ClinVar (database versions not stated): ExAC 0.00001; gnomAD 0.00001; TOPMed 0.00002.
gnomAD v4.1: 7 of 1,611,214 alleles (0.00043%); highest among the groups gnomAD compares: Admixed American, 0.005%; no homozygotes.

Submissions (2):

Labcorp Genetics (formerly Invitae), Labcorp
Classification: Uncertain significance for 5-Oxoprolinase deficiency. Last evaluated: 2025-06-12. Review status: criteria provided, single submitter. Criteria: Invitae Variant Classification Sherloc (09022015). Collection method: clinical testing. Allele origin: germline.
Comment: This sequence change replaces arginine, which is basic and polar, with glutamine, which is neutral and polar, at codon 902 of the OPLAH protein (p.Arg902Gln). This variant is present in population databases (rs782001795, gnomAD 0.006%). This variant has not been reported in the literature in individuals affected with OPLAH-related conditions. ClinVar contains an entry for this variant (Variation ID: 2148420). An algorithm developed to predict the effect of missense changes on protein structure and function outputs the following: PolyPhen-2: "Benign". The glutamine amino acid residue is found in multiple mammalian species, which suggests that this missense change does not adversely affect protein function. In summary, the available evidence is currently insufficient to determine the role of this variant in disease. Therefore, it has been classified as a Variant of Uncertain Significance.

Ambry Genetics
Classification: Uncertain significance. Last evaluated: 2025-02-20. Review status: criteria provided, single submitter. Criteria: Ambry Variant Classification Scheme 2023. Collection method: clinical testing. Allele origin: germline.